The following is an entry in ClinVar:

NM_003072.5(SMARCA4):c.47C>G (p.Pro16Arg)

Gene: SMARCA4 (SWI/SNF related BAF chromatin remodeling complex subunit ATPase 4; plus strand). Cytogenetic location: 19p13.2.
Variant type: single nucleotide variant.
Coding change: c.47C>G on transcript NM_003072.5 (MANE Select); coding-DNA position 47, C replaced by G.
Protein change: p.Pro16Arg; replaces proline 16 with arginine.
Molecular consequence: missense variant. On other transcripts: non-coding transcript variant (1).
Genome position (GRCh38, 1-based): chr19:10,984,198, C>G. VCF-style: chr19-10984198-C-G. GRCh37 (hg19) VCF-style: chr19-11094874-C-G.
Other names: c.47C>G, p.Pro16Arg (NM_001128844.3, NM_001128845.2, NM_001128846.2 and 6 more transcripts); short protein forms P16R.
Identifiers: ClinVar variation 1743178 (VCV001743178.9), dbSNP rs2513932881, ClinGen allele CA404053979.

ClinVar aggregate classification (germline): Uncertain significance. Review status: criteria provided, multiple submitters, no conflicts (2 of 4 stars). 2 submissions from 2 submitters: Uncertain significance (2). Last evaluated 2025-06-16.

Conditions:
Hereditary cancer-predisposing syndrome. Also called: Hereditary Cancer Syndrome; Neoplastic Syndromes, Hereditary; Tumor predisposition; Hereditary neoplastic syndrome. Identifiers: Orphanet 140162, MedGen C0027672, MeSH D009386, MONDO:0015356.
Rhabdoid tumor predisposition syndrome 2 (RTPS2). Identifiers: Orphanet 231108, Orphanet 69077, MedGen C2750074, MONDO:0013224, OMIM 613325.

Submissions (2):

Ambry Genetics
Classification: Uncertain significance for Hereditary cancer-predisposing syndrome. Last evaluated: 2025-06-16. Review status: criteria provided, single submitter. Criteria: Ambry Variant Classification Scheme 2023. Collection method: clinical testing. Allele origin: germline.
Comment: The p.P16R variant (also known as c.47C>G), located in coding exon 1 of the SMARCA4 gene, results from a C to G substitution at nucleotide position 47. The proline at codon 16 is replaced by arginine, an amino acid with dissimilar properties. This amino acid position is highly conserved in available vertebrate species. In addition, this alteration is predicted to be deleterious by in silico analysis. Based on the available evidence, the clinical significance of this variant remains unclear.

Labcorp Genetics (formerly Invitae), Labcorp
Classification: Uncertain significance for Rhabdoid tumor predisposition syndrome 2. Last evaluated: 2022-06-09. Review status: criteria provided, single submitter. Criteria: Invitae Variant Classification Sherloc (09022015). Collection method: clinical testing. Allele origin: germline.
Comment: This sequence change replaces proline, which is neutral and non-polar, with arginine, which is basic and polar, at codon 16 of the SMARCA4 protein (p.Pro16Arg). This variant is not present in population databases (gnomAD no frequency). In summary, the available evidence is currently insufficient to determine the role of this variant in disease. Therefore, it has been classified as a Variant of Uncertain Significance. Algorithms developed to predict the effect of missense changes on protein structure and function are either unavailable or do not agree on the potential impact of this missense change (SIFT: "Deleterious"; PolyPhen-2: "Not Available"; Align-GVGD: "Class C65"). This variant has not been reported in the literature in individuals affected with SMARCA4-related conditions.